The following is an entry in ClinVar:

NM_005896.4(IDH1):c.1106C>G (p.Ala369Gly)

Gene: IDH1 (isocitrate dehydrogenase (NADP(+)) 1; minus strand). Cytogenetic location: 2q34.
Variant type: single nucleotide variant.
Coding change: c.1106C>G on transcript NM_005896.4 (MANE Select); coding-DNA position 1106, C replaced by G.
Protein change: p.Ala369Gly; replaces alanine 369 with glycine.
Molecular consequence: missense variant.
Genome position (GRCh38, 1-based): chr2:208,239,119, G>C on the plus strand (C>G on the coding strand, the complement: IDH1 is on the minus strand). VCF-style: chr2-208239119-G-C. GRCh37 (hg19) VCF-style: chr2-209103843-G-C.
Other names: c.1106C>G, p.Ala369Gly (NM_001282386.1, NM_001282387.1); short protein forms A369G.
Identifiers: ClinVar variation 3225120 (VCV003225120.1), dbSNP rs752187592, ClinGen allele CA350094202.

ClinVar aggregate classification (germline): Uncertain significance (1 of 4 stars; one submission).

Submission:

Ambry Genetics
Classification: Uncertain significance. Last evaluated: 2023-12-26. Review status: criteria provided, single submitter. Criteria: Ambry Variant Classification Scheme 2023. Collection method: clinical testing. Allele origin: germline.
Comment: The p.A369G variant (also known as c.1106C>G), located in coding exon 7 of the IDH1 gene, results from a C to G substitution at nucleotide position 1106. The alanine at codon 369 is replaced by glycine, an amino acid with similar properties. This amino acid position is conserved. In addition, this alteration is predicted to be tolerated by in silico analysis. Since supporting evidence is limited at this time, the clinical significance of this alteration remains unclear.